The following is an entry in ClinVar:

NM_000536.4(RAG2):c.1184G>C (p.Gly395Ala)

Gene: RAG2 (recombination activating 2; minus strand). Cytogenetic location: 11p12.
Variant type: single nucleotide variant.
Coding change: c.1184G>C on transcript NM_000536.4 (MANE Select); coding-DNA position 1184, G replaced by C.
Protein change: p.Gly395Ala; replaces glycine 395 with alanine.
Molecular consequence: missense variant.
Genome position (GRCh38, 1-based): chr11:36,592,985, C>G on the plus strand (G>C on the coding strand, the complement: RAG2 is on the minus strand). VCF-style: chr11-36592985-C-G. GRCh37 (hg19) VCF-style: chr11-36614535-C-G.
Other names: c.1184G>C, p.Gly395Ala (NM_001243785.2, NM_001243786.2); short protein forms G395A.
Identifiers: ClinVar variation 971225 (VCV000971225.7), dbSNP rs757081652, ClinGen allele CA5950458.
Genomic context (GRCh38, chr11:36,592,985, plus strand): 5'-TAGCCTGTCTCAGACTCATCTTCTTCATCATCTTCATTATAGGTGTCAAATTCATCATCA[C>G]CATCAAAACTATTTGCTTCTGCACTGAAACAAAATTCTTCAGAGTCTTCAAAGGGAGTGG-3'
Protein context (NP_000527.2, residues 385-405): CFSAEANSFD[Gly395Ala]DDEFDTYNED

ClinVar aggregate classification (germline): Uncertain significance (1 of 4 stars; one submission).

Conditions:
Combined immunodeficiency with skin granulomas. Identifiers: Orphanet 157949, MedGen C2673536, MONDO:0009306, OMIM 233650.
Severe combined immunodeficiency, autosomal recessive, T cell-negative, B cell-negative, NK cell-positive. Also called: SCID, T CELL-NEGATIVE, B CELL-NEGATIVE, NK CELL-POSITIVE; SCID, AR, T-cell negative, B-cell negative, NK cell-positive; Severe combined immunodeficiency due to complete RAG1/2 deficiency. Identifiers: Orphanet 331206, MedGen C1832322, MONDO:0011086, OMIM 601457.

Allele frequency attached by ClinVar (database versions not stated): ExAC 0.00001; gnomAD 0.00001 and 0.00002; TOPMed 0.00003.
gnomAD v4.1: 32 of 1,614,012 alleles (0.002%); highest among the groups gnomAD compares: African/African-American, 0.0027%; no homozygotes.

Submission:

Labcorp Genetics (formerly Invitae), Labcorp
Classification: Uncertain significance for Combined immunodeficiency with skin granulomas; Severe combined immunodeficiency, autosomal recessive, T cell-negative, B cell-negative, NK cell-positive. Last evaluated: 2021-08-27. Review status: criteria provided, single submitter. Criteria: Invitae Variant Classification Sherloc (09022015). Collection method: clinical testing. Allele origin: germline.
Comment: This sequence change replaces glycine with alanine at codon 395 of the RAG2 protein (p.Gly395Ala). The glycine residue is moderately conserved and there is a small physicochemical difference between glycine and alanine. This variant is present in population databases (rs757081652, ExAC 0.01%). This variant has not been reported in the literature in individuals affected with RAG2-related conditions. Algorithms developed to predict the effect of missense changes on protein structure and function are either unavailable or do not agree on the potential impact of this missense change (SIFT: "Tolerated"; PolyPhen-2: "Probably Damaging"; Align-GVGD: "Class C0"). In summary, the available evidence is currently insufficient to determine the role of this variant in disease. Therefore, it has been classified as a Variant of Uncertain Significance.